The following is an entry in ClinVar:

NM_015512.5(DNAH1):c.443G>A (p.Arg148His)

Gene: DNAH1 (dynein axonemal heavy chain 1; plus strand). Cytogenetic location: 3p21.1.
Variant type: single nucleotide variant.
Coding change: c.443G>A on transcript NM_015512.5 (MANE Select); coding-DNA position 443, G replaced by A.
Protein change: p.Arg148His; replaces arginine 148 with histidine.
Molecular consequence: missense variant.
Genome position (GRCh38, 1-based): chr3:52,326,176, G>A. VCF-style: chr3-52326176-G-A. GRCh37 (hg19) VCF-style: chr3-52360192-G-A.
Other names: short protein forms R148H.
Identifiers: ClinVar variation 2147834 (VCV002147834.2), dbSNP rs768707082, ClinGen allele CA2432644.
Genomic context (GRCh38, chr3:52,326,176, plus strand): 5'-CCCTGCCCCTGCTTCTACCTGCAGTCGGAAGCTTTGAGGTTCCTGAAGACTTCCAGGAGC[G>A]CATGGAGCAGCAGTGCATCGGGTCCACCACCCGGCTGCTCGCCCAGACTGACTTCCCACT-3'
Protein context (NP_056327.4, residues 138-158): SFEVPEDFQE[Arg148His]MEQQCIGSTT

ClinVar aggregate classification (germline): Uncertain significance. Review status: criteria provided, multiple submitters, no conflicts (2 of 4 stars). 2 submissions from 2 submitters: Uncertain significance (2). Last evaluated 2023-02-17.

Conditions:
Spermatogenic failure 18. Identifiers: MedGen C4539783, MONDO:0054615, OMIM 617576.
Ciliary dyskinesia, primary, 37 (CILD37). Also called: CILIARY DYSKINESIA, PRIMARY, 37, WITH OR WITHOUT SITUS INVERSUS. Identifiers: MedGen C4539798, MONDO:0033204, OMIM 617577.

Allele frequency attached by ClinVar (database versions not stated): gnomAD 0.00001; TOPMed 0.00002.
gnomAD v4.1: 20 of 1,611,564 alleles (0.0012%); highest among the groups gnomAD compares: African/African-American, 0.004%; no homozygotes.

Submissions (2):

Department of Pathology and Laboratory Medicine, Sinai Health System
Classification: Uncertain significance for ciliary dyskinesia, primary, 37. Last evaluated: 2023-02-17. Review status: criteria provided, single submitter. Criteria: ACMG Guidelines, 2015. Collection method: research. Allele origin: germline.

Labcorp Genetics (formerly Invitae), Labcorp
Classification: Uncertain significance for Ciliary dyskinesia, primary, 37; Spermatogenic failure 18. Last evaluated: 2022-02-06. Review status: criteria provided, single submitter. Criteria: Invitae Variant Classification Sherloc (09022015). Collection method: clinical testing. Allele origin: germline.
Comment: This sequence change replaces arginine, which is basic and polar, with histidine, which is basic and polar, at codon 148 of the DNAH1 protein (p.Arg148His). The frequency data for this variant in the population databases is considered unreliable, as metrics indicate poor data quality at this position in the gnomAD database. This variant has not been reported in the literature in individuals affected with DNAH1-related conditions. Algorithms developed to predict the effect of missense changes on protein structure and function output the following: SIFT: "Tolerated"; PolyPhen-2: "Benign"; Align-GVGD: "Class C0". The histidine amino acid residue is found in multiple mammalian species, which suggests that this missense change does not adversely affect protein function. In summary, the available evidence is currently insufficient to determine the role of this variant in disease. Therefore, it has been classified as a Variant of Uncertain Significance.